The following is an entry in ClinVar:

ClinVar aggregate classification (germline): Conflicting classifications of pathogenicity. Review status: criteria provided, conflicting classifications (1 of 4 stars). 4 submissions from 4 submitters: Uncertain significance (3); Likely benign (1). Last evaluated 2024-08-06.

Conditions:
Hypokalemic periodic paralysis, type 1. Also called: HypoPP; Hypokalemic Periodic Paralysis Type 1 (AD). Identifiers: Orphanet 681, MedGen C3714580, MONDO:0042979, OMIM 170400.
Malignant hyperthermia, susceptibility to, 5 (MHS5). Also called: CACNA1S-Related Malignant Hyperthermia Susceptibility. Identifiers: Orphanet 423, MedGen C1866077, MONDO:0011163, OMIM 601887.
Inborn genetic diseases. Identifiers: MedGen C0950123, MeSH D030342.
Thyrotoxic periodic paralysis, susceptibility to, 1 (TTPP1). Identifiers: Orphanet 79102, MedGen C2749982, MONDO:0008570, OMIM 188580.

Allele frequency attached by ClinVar (database versions not stated): TOPMed 0.00002; 1000 Genomes Project 30x 0.00016; 1000 Genomes Project 0.00020.

Submissions (4):

All of Us Research Program, National Institutes of Health
Classification: Uncertain significance for Malignant hyperthermia, susceptibility to, 5. Last evaluated: 2024-08-06. Review status: criteria provided, single submitter. Criteria: ACMG Guidelines, 2015. Collection method: clinical testing. Allele origin: germline. Inheritance: Autosomal dominant inheritance. Observed: 6 variant alleles, 6 heterozygotes.
Comment: This missense variant replaces threonine with methionine at codon 55 of the CACNA1S protein. Computational prediction suggests that this variant may not impact protein structure and function (internally defined REVEL score threshold <= 0.5, PMID: 27666373). To our knowledge, functional studies have not been reported for this variant. This variant has not been reported in individuals affected with CACNA1S-related disorders in the literature. This variant has been identified in 3/251454 chromosomes in the general population by the Genome Aggregation Database (gnomAD). The available evidence is insufficient to determine the role of this variant in disease conclusively. Therefore, this variant is classified as a Variant of Uncertain Significance.

This study involves interpretation of variants in research participants for the purpose of population health screening. Participant phenotype was not available at the time of variant classification. Additional details can be found in publication PMID: 35346344, PMCID: PMC8962531

Ambry Genetics
Classification: Uncertain significance for Inborn genetic diseases. Last evaluated: 2022-11-18. Review status: criteria provided, single submitter. Criteria: Ambry Variant Classification Scheme 2023. Collection method: clinical testing. Allele origin: germline.

Labcorp Genetics (formerly Invitae), Labcorp
Classification: Likely benign for Hypokalemic periodic paralysis, type 1; Malignant hyperthermia, susceptibility to, 5. Last evaluated: 2022-11-15. Review status: criteria provided, single submitter. Criteria: Invitae Variant Classification Sherloc (09022015). Collection method: clinical testing. Allele origin: germline.

Fulgent Genetics
Classification: Uncertain significance for Hypokalemic periodic paralysis, type 1; Thyrotoxic periodic paralysis, susceptibility to, 1; Malignant hyperthermia, susceptibility to, 5. Last evaluated: 2021-11-05. Review status: criteria provided, single submitter. Criteria: ACMG Guidelines, 2015. Collection method: clinical testing. Allele origin: unknown.

NM_000069.3(CACNA1S):c.164C>T (p.Thr55Met)

Gene: CACNA1S (calcium voltage-gated channel subunit alpha1 S; minus strand). Cytogenetic location: 1q32.1.
Variant type: single nucleotide variant.
Coding change: c.164C>T on transcript NM_000069.3 (MANE Select); coding-DNA position 164, C replaced by T.
Protein change: p.Thr55Met; replaces threonine 55 with methionine.
Molecular consequence: missense variant.
Genome position (GRCh38, 1-based): chr1:201,110,258, G>A on the plus strand (C>T on the coding strand, the complement: CACNA1S is on the minus strand). VCF-style: chr1-201110258-G-A. GRCh37 (hg19) VCF-style: chr1-201079386-G-A.
Other names: c.164C>T (NM_000069.2); short protein forms T55M.
Identifiers: ClinVar variation 1046633 (VCV001046633.10), dbSNP rs549107212, ClinGen allele CA078498.